The following is an entry in ClinVar:

NM_000101.4(CYBA):c.467_479del (p.Pro156fs)

Gene: CYBA (cytochrome b-245 alpha chain; minus strand). Cytogenetic location: 16q24.2.
Variant type: Deletion.
Coding change: c.467_479del on transcript NM_000101.4 (MANE Select); coding-DNA positions 467 to 479, 13 bases deleted (CGCCGCGGCCCCC).
Protein change: p.Pro156fs; shifts the reading frame from proline 156.
Molecular consequence: frameshift variant.
Genome position (GRCh38, 1-based): chr16:88,643,462-88,643,474, GGGGGCCGCGGCG deleted on the plus strand (CGCCGCGGCCCCC on the coding strand, the reverse complement: CYBA is on the minus strand); deleting any 13 consecutive bases within chr16:88,643,462-88,643,479 gives the same sequence; the c. name uses the placement nearest the transcript's 3' end. VCF-style (leftmost placement, unchanged base first): chr16-88643461-CGGGGGCCGCGGCG-C. GRCh37 (hg19) VCF-style: chr16-88709869-CGGGGGCCGCGGCG-C.
Other names: short protein forms P156fs.
Identifiers: ClinVar variation 1507696 (VCV001507696.9), dbSNP rs2142869764, ClinGen allele CA2573152842.
Genomic context (GRCh38, chr16:88,643,461, plus strand): 5'-CGGGGGTCCCCCCGCCGCCACCGCAGCCTCCTCCTCGCTGGGCTTCTTGCGGGCCTCGGC[CGGGGGCCGCGGCG>C]GGGGGTTGCTGGGCGGCTGCTTGATGGTGCCTCCGATCTGCGGCCGCTCCCGGGGCTTGG-3'

ClinVar aggregate classification (germline): Conflicting classifications of pathogenicity. Review status: criteria provided, conflicting classifications (1 of 4 stars). 3 submissions from 3 submitters: Pathogenic (2); Uncertain significance (1). Last evaluated 2026-02-20.

Conditions:
Granulomatous disease, chronic, autosomal recessive, cytochrome b-negative. Also called: GRANULOMATOUS DISEASE, CHRONIC, AUTOSOMAL RECESSIVE, 4; Chronic granulomatous disease, autosomal, due to deficiency of CYBA; CGD DUE TO DEFICIENCY OF THE ALPHA SUBUNIT OF CYTOCHROME b; CGD, AUTOSOMAL RECESSIVE CYTOCHROME b-NEGATIVE; CYBA DEFICIENCY. Identifiers: Orphanet 379, MedGen C1856255, MONDO:0009308, OMIM 233690.

Submissions (3):

Myriad Genetics, Inc.
Classification: Pathogenic for Granulomatous disease, chronic, autosomal recessive, cytochrome b-negative. Last evaluated: 2026-02-20. Review status: criteria provided, single submitter. Criteria: Myriad Autosomal Dominant, Autosomal Recessive and X-Linked Classification Criteria (2023). Collection method: clinical testing. Allele origin: unknown.
Comment: NM_000101.3(CYBA):c.467_479del13(P156Rfs*31) is a frameshift variant classified as pathogenic in the context of chronic granulomatous disease, CYBA-related. P156Rfs*31 has not been observed in cases with relevant disease. Relevant functional assessments of this variant are not available in the literature. P156Rfs*31 has not been observed in referenced population frequency databases. In summary, NM_000101.3(CYBA):c.467_479del13(P156Rfs*31) is a frameshift variant in a gene where loss of function is a known mechanism of disease and is predicted to disrupt protein function. Please note: this variant was assessed in the context of healthy population screening.

Labcorp Genetics (formerly Invitae), Labcorp
Classification: Pathogenic for Granulomatous disease, chronic, autosomal recessive, cytochrome b-negative. Last evaluated: 2025-01-15. Review status: criteria provided, single submitter. Criteria: Invitae Variant Classification Sherloc (09022015). Collection method: clinical testing. Allele origin: germline.
Comment: This sequence change creates a premature translational stop signal (p.Pro156Argfs*31) in the CYBA gene. While this is not anticipated to result in nonsense mediated decay, it is expected to disrupt the last 40 amino acid(s) of the CYBA protein. This variant is not present in population databases (gnomAD no frequency). This variant has not been reported in the literature in individuals affected with CYBA-related conditions. ClinVar contains an entry for this variant (Variation ID: 1507696). This variant disrupts a region of the CYBA protein in which other variant(s) (p.Pro160Alafs*27) have been determined to be pathogenic (PMID: 20167518, 34547651; internal data). This suggests that this is a clinically significant region of the protein, and that variants that disrupt it are likely to be disease-causing. For these reasons, this variant has been classified as Pathogenic.

Department of Pathology and Laboratory Medicine, Sinai Health System
Classification: Uncertain significance for Granulomatous disease, chronic, autosomal recessive, cytochrome b-negative. Last evaluated: 2022-11-09. Review status: criteria provided, single submitter. Criteria: ACMG Guidelines, 2015. Collection method: research. Allele origin: germline.

Literature cited by the submitters: PubMed 20167518 (cited by Labcorp Genetics (formerly Invitae), Labcorp); PubMed 34547651 (cited by Labcorp Genetics (formerly Invitae), Labcorp).